The following is an entry in ClinVar:

NM_005685.4(GTF2IRD1):c.973C>T (p.Arg325Cys)

Gene: GTF2IRD1 (GTF2I repeat domain containing 1; plus strand). Cytogenetic location: 7q11.23.
Variant type: single nucleotide variant.
Coding change: c.973C>T on transcript NM_005685.4 (MANE Select); coding-DNA position 973, C replaced by T.
Protein change: p.Arg325Cys; replaces arginine 325 with cysteine.
Molecular consequence: missense variant.
Genome position (GRCh38, 1-based): chr7:74,521,264, C>T. VCF-style: chr7-74521264-C-T. GRCh37 (hg19) VCF-style: chr7-73935594-C-T.
Other names: c.1069C>T, p.Arg357Cys (NM_001199207.2); c.973C>T, p.Arg325Cys (NM_016328.3); short protein forms R325C, R357C.
Identifiers: ClinVar variation 208388 (VCV000208388.3), dbSNP rs863223350, ClinGen allele CA279854.
Genomic context (GRCh38, chr7:74,521,264, plus strand): 5'-CCAGGACAGAAGCCCACTGGGCCTGGTGGGCCTCTCATCCAGAACGTCCATGCCTCCAAG[C>T]GCATTCTCTTCTCCATCGTCCATGACAAGTCAGGTAGGACAGCGCCCACGAAGCACCCCG-3'
Protein context (NP_005676.3, residues 315-335): PLIQNVHASK[Arg325Cys]ILFSIVHDKS

ClinVar aggregate classification (germline): Likely pathogenic (1 of 4 stars; one submission).

Conditions:
Childhood-onset schizophrenia. Also called: Childhood schizophrenia. Identifiers: Orphanet 641496, MedGen C0036346, MONDO:0957430.

Allele frequency attached by ClinVar (database versions not stated): TOPMed below 0.00001.
gnomAD v4.1: 5 of 1,611,390 alleles (0.00031%); highest among the groups gnomAD compares: Non-Finnish European, 0.00042%; no homozygotes.

Submission:

Dr. Guy Rouleau's laboratory, McGill University
Classification: Likely pathogenic for Childhood Onset Schizophrenia. Last evaluated: 2014-01-01. Review status: criteria provided, single submitter. Criteria: Submitter's publication. Collection method: research. Allele origin: de novo. Affected: yes. Observed: 1 variant allele.
Comment: Identified by next generation sequencing and validated by Sanger sequencing